The following is an entry in ClinVar:

ClinVar aggregate classification (germline): Uncertain significance (1 of 4 stars; one submission).

Conditions:
KIF1A-related disorder. Also called: KIF1A-related disorders; KIF1A-related condition.

Allele frequency attached by ClinVar (database versions not stated): gnomAD exomes below 0.00001; gnomAD 0.00001; TOPMed 0.00001.
gnomAD v4.1: 8 of 1,550,548 alleles (0.00052%); highest among the groups gnomAD compares: Middle Eastern, 0.033%; no homozygotes.

Submission:

PreventionGenetics, part of Exact Sciences
Classification: Uncertain significance for KIF1A-related condition. Last evaluated: 2023-01-30. Review status: criteria provided, single submitter. Criteria: ACMG Guidelines, 2015. Collection method: clinical testing. Allele origin: germline.
Comment: The KIF1A c.2827G>A variant is predicted to result in the amino acid substitution p.Asp943Asn. This variant was detected in an individual with autism spectrum disorder as part of a large cohort sequencing project; however, no additional evidence was provided to support causation (Callaghan. 2019. PubMed ID: 31038196, Table S6). This variant has not been documented in a large population database, indicating it is rare. At this time, the clinical significance of this variant is uncertain due to the absence of conclusive functional and genetic evidence.

NM_001244008.2(KIF1A):c.2827G>A (p.Asp943Asn)

Gene: KIF1A (kinesin family member 1A; minus strand). Cytogenetic location: 2q37.3.
Variant type: single nucleotide variant.
Coding change: c.2827G>A on transcript NM_001244008.2 (MANE Select); coding-DNA position 2827, G replaced by A.
Protein change: p.Asp943Asn; replaces aspartic acid 943 with asparagine.
Molecular consequence: missense variant. On other transcripts: intron variant (18).
Genome position (GRCh38, 1-based): chr2:240,757,350, C>T on the plus strand (G>A on the coding strand, the complement: KIF1A is on the minus strand). VCF-style: chr2-240757350-C-T. GRCh37 (hg19) VCF-style: chr2-241696767-C-T.
Other names: c.2902G>A, p.Asp968Asn (NM_001379631.1); c.2776G>A, p.Asp926Asn (NM_001379632.1); c.2800G>A, p.Asp934Asn (NM_001379633.1, NM_001379642.1, NM_001379645.1); c.2555+1010G>A (NM_001379653.1, NM_001379650.1, NM_001379640.1 and 6 more transcripts); c.2657+1010G>A (NM_001379635.1, NM_001330290.2, NM_001379646.1 and 1 more transcripts); c.2630+1010G>A (NM_001379637.1, NM_001379648.1); c.2582+1010G>A (NM_001320705.2, NM_001379638.1, NM_001330289.2); short protein forms D926N, D934N, D943N, D968N.
Identifiers: ClinVar variation 2630251 (VCV002630251.1), dbSNP rs952292326, ClinGen allele CA68169546.